The following is an entry in ClinVar:

ClinVar aggregate classification (germline): Likely benign. Review status: criteria provided, multiple submitters, no conflicts (2 of 4 stars). 4 submissions from 4 submitters: Likely benign (3). 1 of the submissions does not count toward it. Last evaluated 2022-04-19.

Conditions:
Hereditary breast ovarian cancer syndrome. Also called: Hereditary breast and ovarian cancer syndrome; BRCA1- and BRCA2-Associated Hereditary Breast and Ovarian Cancer; Hereditary breast and ovarian cancer syndrome (HBOC); Hereditary breast and/or ovarian cancer syndrome; Breast and ovarian cancer; Hereditary breast and ovarian cancer. Identifiers: Orphanet 145, MedGen C0677776, MeSH D061325, MONDO:0003582. Disease mechanism: loss of function.
RAD54L-related disorder. Also called: RAD54L-related condition.

Allele frequency attached by ClinVar (database versions not stated): gnomAD 0.00047 and 0.00108; TOPMed 0.00096; gnomAD exomes 0.00120 and 0.00273; ExAC 0.00292; 1000 Genomes Project 0.00519; 1000 Genomes Project 30x 0.00531.
gnomAD v4.1: 1,976 of 1,614,106 alleles (0.12%); highest among the groups gnomAD compares: South Asian, 1.3%; 23 homozygotes.

Submissions (4):

National Health Laboratory Service, Universitas Academic Hospital and University of the Free State
Classification: Likely benign for Hereditary breast ovarian cancer syndrome. Last evaluated: 2022-04-19. Review status: criteria provided, single submitter. Criteria: ACMG Guidelines, 2015. Collection method: clinical testing. Allele origin: germline. Affected: yes. Observed: 12 variant alleles.

Ambry Genetics
Classification: Likely benign. Last evaluated: 2022-02-12. Review status: criteria provided, single submitter. Criteria: Ambry Variant Classification Scheme 2023. Collection method: clinical testing. Allele origin: germline.

Breakthrough Genomics
Classification: Likely benign. Review status: criteria provided, single submitter. Criteria: ACMG Guidelines, 2015. Collection method: not provided. Allele origin: germline. Inheritance: Autosomal dominant inheritance. Affected: yes.

PreventionGenetics, part of Exact Sciences
Classification: Benign for RAD54L-related condition. Last evaluated: 2019-06-24. Review status: no assertion criteria provided. Collection method: clinical testing. Allele origin: germline. Not counted in ClinVar's aggregate classification.
Comment: This variant is classified as benign based on ACMG/AMP sequence variant interpretation guidelines (Richards et al. 2015 PMID: 25741868, with internal and published modifications).

NM_003579.4(RAD54L):c.1299G>A (p.Pro433=)

Gene: RAD54L (RAD54 like; plus strand). Cytogenetic location: 1p34.1.
Variant type: single nucleotide variant.
Coding change: c.1299G>A on transcript NM_003579.4 (MANE Select); coding-DNA position 1299, G replaced by A.
Protein change: p.Pro433=; no amino-acid change (proline 433 retained).
Molecular consequence: synonymous variant.
Genome position (GRCh38, 1-based): chr1:46,272,726, G>A. VCF-style: chr1-46272726-G-A. GRCh37 (hg19) VCF-style: chr1-46738398-G-A.
Other names: NP_003570.2:p.Pro433=; c.1299G>A, p.Pro433= (NM_001142548.2); c.759G>A, p.Pro253= (NM_001370766.1); c.1299G>A (NM_003579.3).
Identifiers: ClinVar variation 1678904 (VCV001678904.6), dbSNP rs17102093, ClinGen allele CA834566.